The following is an entry in ClinVar:

ClinVar aggregate classification (germline): Likely pathogenic (1 of 4 stars; one submission).

Submission:

Labcorp Genetics (formerly Invitae), Labcorp
Classification: Likely pathogenic. Last evaluated: 2023-02-17. Review status: criteria provided, single submitter. Criteria: Invitae Variant Classification Sherloc (09022015). Collection method: clinical testing. Allele origin: germline.
Comment: This sequence change affects a donor splice site in intron 2 of the TGM1 gene. It is expected to disrupt RNA splicing. Variants that disrupt the donor or acceptor splice site typically lead to a loss of protein function (PMID: 16199547), and loss-of-function variants in TGM1 are known to be pathogenic (PMID: 18948357, 19241467). This variant is not present in population databases (gnomAD no frequency). This variant has not been reported in the literature in individuals affected with TGM1-related conditions. Algorithms developed to predict the effect of sequence changes on RNA splicing suggest that this variant may disrupt the consensus splice site. In summary, the currently available evidence indicates that the variant is pathogenic, but additional data are needed to prove that conclusively. Therefore, this variant has been classified as Likely Pathogenic.

Literature cited by the submitters: PubMed 16199547; PubMed 18948357; PubMed 19241467.

NM_000359.3(TGM1):c.319+2T>G

Gene: TGM1 (transglutaminase 1; minus strand). Cytogenetic location: 14q12.
Variant type: single nucleotide variant.
Coding change: c.319+2T>G on transcript NM_000359.3 (MANE Select); the canonical splice donor site of the intron after coding-DNA position 319, T replaced by G.
Molecular consequence: splice donor variant.
Genome position (GRCh38, 1-based): chr14:24,262,032, A>C on the plus strand (T>G on the coding strand, the complement: TGM1 is on the minus strand). VCF-style: chr14-24262032-A-C. GRCh37 (hg19) VCF-style: chr14-24731238-A-C.
Identifiers: ClinVar variation 2838539 (VCV002838539.3), dbSNP rs2040815760, ClinGen allele CA389279254.